The following is an entry in ClinVar:

NM_001018113.3(FANCB):c.1226G>A (p.Arg409Gln)

Gene: FANCB (FA complementation group B; minus strand). Cytogenetic location: Xp22.2.
Variant type: single nucleotide variant.
Coding change: c.1226G>A on transcript NM_001018113.3 (MANE Select); coding-DNA position 1226, G replaced by A.
Protein change: p.Arg409Gln; replaces arginine 409 with glutamine.
Molecular consequence: missense variant.
Genome position (GRCh38, 1-based): chrX:14,853,139, C>T on the plus strand (G>A on the coding strand, the complement: FANCB is on the minus strand). VCF-style: chrX-14853139-C-T. GRCh37 (hg19) VCF-style: chrX-14871261-C-T.
Other names: c.1226G>A, p.Arg409Gln (NM_001324162.2, NM_152633.4); c.1226G>A (NM_001018113.1); short protein forms R409Q.
Identifiers: ClinVar variation 1047336 (VCV001047336.25), dbSNP rs753030842, ClinGen allele CA10353085.

ClinVar aggregate classification (germline): Conflicting classifications of pathogenicity. Review status: criteria provided, conflicting classifications (1 of 4 stars). 5 submissions from 5 submitters: Uncertain significance (2); Likely benign (3). Last evaluated 2025-08-13.

Conditions:
Fanconi anemia complementation group B (FANCB). Also called: FANCONI PANCYTOPENIA, TYPE 2; FANCB-Related Fanconi Anemia. Identifiers: Orphanet 84, MedGen C1845292, MONDO:0010351, OMIM 300514.
Inborn genetic diseases. Identifiers: MedGen C0950123, MeSH D030342.
Fanconi anemia (FA). Also called: Fanconi's anemia. Identifiers: Orphanet 84, MedGen C0015625, MeSH D005199, MONDO:0019391.

Allele frequency attached by ClinVar (database versions not stated): TOPMed below 0.00001; ExAC 0.00001; gnomAD 0.00001; gnomAD exomes 0.00002; 1000 Genomes Project 30x 0.00021; 1000 Genomes Project 0.00026.
gnomAD v4.1: 23 of 1,202,214 alleles (0.0019%); highest among the groups gnomAD compares: Non-Finnish European, 0.0024%; no homozygotes.

Submissions (6):

Ambry Genetics
Classification: Likely benign for Inborn genetic diseases. Last evaluated: 2025-08-13. Review status: criteria provided, single submitter. Criteria: Ambry Variant Classification Scheme 2023. Collection method: clinical testing. Allele origin: germline.

CeGaT Center for Human Genetics Tuebingen
Classification: Likely benign. Last evaluated: 2024-11-01. Review status: criteria provided, single submitter. Criteria: CeGaT Center For Human Genetics Tuebingen Variant Classification Criteria Version 2. Collection method: clinical testing. Allele origin: germline. Affected: yes. Observed: 1 variant allele.
Comment: FANCB: PM5, BP4, BS2

Fulgent Genetics
Classification: Uncertain significance for Fanconi anemia complementation group B. Last evaluated: 2024-03-30. Review status: criteria provided, single submitter. Criteria: ACMG Guidelines, 2015. Collection method: clinical testing. Allele origin: germline.

Labcorp Genetics (formerly Invitae), Labcorp
Classification: Uncertain significance for Fanconi anemia. Last evaluated: 2024-03-24. Review status: criteria provided, single submitter. Criteria: Invitae Variant Classification Sherloc (09022015). Collection method: clinical testing. Allele origin: germline.
Comment: This sequence change replaces arginine, which is basic and polar, with glutamine, which is neutral and polar, at codon 409 of the FANCB protein (p.Arg409Gln). This variant is present in population databases (rs753030842, gnomAD 0.006%), including at least one homozygous and/or hemizygous individual. This variant has not been reported in the literature in individuals affected with FANCB-related conditions. ClinVar contains an entry for this variant (Variation ID: 1047336). Advanced modeling of protein sequence and biophysical properties (such as structural, functional, and spatial information, amino acid conservation, physicochemical variation, residue mobility, and thermodynamic stability) performed at Invitae indicates that this missense variant is not expected to disrupt FANCB protein function with a negative predictive value of 80%. In summary, the available evidence is currently insufficient to determine the role of this variant in disease. Therefore, it has been classified as a Variant of Uncertain Significance.

Blueprint Genetics
Classification: Likely benign. Last evaluated: 2023-11-15. Review status: criteria provided, single submitter. Criteria: ACMG Guidelines, 2015. Collection method: clinical testing. Allele origin: germline.

Dr. Peter K. Rogan Lab, Western University
No classification provided (evidence only). Condition: Nonpapillary renal cell carcinoma. Review status: no classification provided. Collection method: in vitro. Allele origin: not applicable. Functional consequence: retained intron. Not counted in ClinVar's aggregate classification.